The following is an entry in ClinVar:

ClinVar aggregate classification (germline): Uncertain significance (1 of 4 stars; one submission).

Conditions:
Cardiovascular phenotype. Identifiers: MedGen CN230736.

gnomAD v4.1: 3 of 1,613,988 alleles (0.00019%); highest among the groups gnomAD compares: Non-Finnish European, 0.00025%; no homozygotes.

Submission:

Ambry Genetics
Classification: Uncertain significance for Cardiovascular phenotype. Last evaluated: 2026-04-04. Review status: criteria provided, single submitter. Criteria: Ambry Variant Classification Scheme 2023. Collection method: clinical testing. Allele origin: germline.
Comment: The p.G247R variant (also known as c.739G>C), located in coding exon 2 of the GDF2 gene, results from a G to C substitution at nucleotide position 739. The glycine at codon 247 is replaced by arginine, an amino acid with dissimilar properties. This amino acid position is conserved. Based on the available evidence, the clinical significance of this variant remains unclear.

NM_016204.4(GDF2):c.739G>C (p.Gly247Arg)

Gene: GDF2 (growth differentiation factor 2; plus strand). Cytogenetic location: 10q11.22.
Variant type: single nucleotide variant.
Coding change: c.739G>C on transcript NM_016204.4 (MANE Select); coding-DNA position 739, G replaced by C.
Protein change: p.Gly247Arg; replaces glycine 247 with arginine.
Molecular consequence: missense variant.
Genome position (GRCh38, 1-based): chr10:47,325,233, G>C. VCF-style: chr10-47325233-G-C. GRCh37 (hg19) VCF-style: chr10-48414129-C-G.
Other names: short protein forms G247R.
Identifiers: ClinVar variation 4857915 (VCV004857915.1).